The following is an entry in ClinVar:

NM_002470.4(MYH3):c.2119A>G (p.Arg707Gly)

Gene: MYH3 (myosin heavy chain 3; minus strand). Cytogenetic location: 17p13.1.
Variant type: single nucleotide variant.
Coding change: c.2119A>G on transcript NM_002470.4 (MANE Select); coding-DNA position 2119, A replaced by G.
Protein change: p.Arg707Gly; replaces arginine 707 with glycine.
Molecular consequence: missense variant.
Genome position (GRCh38, 1-based): chr17:10,641,131, T>C on the plus strand (A>G on the coding strand, the complement: MYH3 is on the minus strand). VCF-style: chr17-10641131-T-C. GRCh37 (hg19) VCF-style: chr17-10544448-T-C.
Other names: short protein forms R707G.
Identifiers: ClinVar variation 3365652 (VCV003365652.1).
Genomic context (GRCh38, chr17:10,641,131, plus strand): 5'-TGTTTATTACACACCTTTGTTTAAAATCGCCATAGAGAATCCTGTTTGGGAACCCTTTCC[T>C]GCAGATGCGGATGCCCTCCAGGACACCGTTACACCGCAGCTGGTGCAGAACAAGGCTGTG-3'
Protein context (NP_002461.2, residues 697-717): NGVLEGIRIC[Arg707Gly]KGFPNRILYG

ClinVar aggregate classification (germline): Uncertain significance (1 of 4 stars; one submission).

Submission:

GeneDx
Classification: Uncertain significance. Last evaluated: 2023-12-18. Review status: criteria provided, single submitter. Criteria: GeneDx Variant Classification Process June 2021. Collection method: clinical testing. Allele origin: germline. Affected: yes.
Comment: Not observed at significant frequency in large population cohorts (gnomAD); In silico analysis supports that this missense variant has a deleterious effect on protein structure/function; Has not been previously published as pathogenic or benign to our knowledge